The following is an entry in ClinVar:

NM_012452.3(TNFRSF13B):c.275T>A (p.Ile92Asn)

Gene: TNFRSF13B (TNF receptor superfamily member 13B; minus strand). Cytogenetic location: 17p11.2.
Variant type: single nucleotide variant.
Coding change: c.275T>A on transcript NM_012452.3 (MANE Select); coding-DNA position 275, T replaced by A.
Protein change: p.Ile92Asn; replaces isoleucine 92 with asparagine.
Molecular consequence: missense variant.
Genome position (GRCh38, 1-based): chr17:16,948,908, A>T on the plus strand (T>A on the coding strand, the complement: TNFRSF13B is on the minus strand). VCF-style: chr17-16948908-A-T. GRCh37 (hg19) VCF-style: chr17-16852222-A-T.
Other names: short protein forms I92N.
Identifiers: ClinVar variation 1438757 (VCV001438757.8), dbSNP rs368250378, ClinGen allele CA8414054.

ClinVar aggregate classification (germline): Uncertain significance (1 of 4 stars; one submission).

Conditions:
Immunodeficiency, common variable, 2 (CVID2). Also called: HYPOGAMMAGLOBULINEMIA DUE TO TACI DEFICIENCY; ANTIBODY DEFICIENCY DUE TO TACI DEFECT. Identifiers: Orphanet 1572, MedGen C3150354, MONDO:0009413, OMIM 240500.

Allele frequency attached by ClinVar (database versions not stated): gnomAD exomes below 0.00001; ExAC 0.00001; gnomAD 0.00001; TOPMed 0.00001; ESP Exome Variant Server 0.00008.
gnomAD v4.1: 2 of 1,614,098 alleles (0.00012%); highest among the groups gnomAD compares: Non-Finnish European, 0.00017%; no homozygotes.

Submission:

Labcorp Genetics (formerly Invitae), Labcorp
Classification: Uncertain significance for Immunodeficiency, common variable, 2. Last evaluated: 2021-07-18. Review status: criteria provided, single submitter. Criteria: Invitae Variant Classification Sherloc (09022015). Collection method: clinical testing. Allele origin: germline.
Comment: In summary, the available evidence is currently insufficient to determine the role of this variant in disease. Therefore, it has been classified as a Variant of Uncertain Significance. This sequence change replaces isoleucine with asparagine at codon 92 of the TNFRSF13B protein (p.Ile92Asn). The isoleucine residue is moderately conserved and there is a large physicochemical difference between isoleucine and asparagine. The frequency data for this variant in the population databases is considered unreliable, as metrics indicate poor data quality at this position in the ExAC database. This variant has not been reported in the literature in individuals affected with TNFRSF13B-related conditions. Algorithms developed to predict the effect of missense changes on protein structure and function are either unavailable or do not agree on the potential impact of this missense change (SIFT: "Deleterious"; PolyPhen-2: "Probably Damaging"; Align-GVGD: "Class C0").